The following is an entry in ClinVar:

NM_001348716.2(KDM6B):c.2564C>G (p.Pro855Arg)

Gene: KDM6B (lysine demethylase 6B; plus strand). Cytogenetic location: 17p13.1.
Variant type: single nucleotide variant.
Coding change: c.2564C>G on transcript NM_001348716.2 (MANE Select); coding-DNA position 2564, C replaced by G.
Protein change: p.Pro855Arg; replaces proline 855 with arginine.
Molecular consequence: missense variant.
Genome position (GRCh38, 1-based): chr17:7,848,852, C>G. VCF-style: chr17-7848852-C-G. GRCh37 (hg19) VCF-style: chr17-7752170-C-G.
Other names: c.2564C>G, p.Pro855Arg (NM_001080424.2); short protein forms P855R.
Identifiers: ClinVar variation 3235767 (VCV003235767.1), dbSNP rs2078625974, ClinGen allele CA397920618.

ClinVar aggregate classification (germline): Uncertain significance (1 of 4 stars; one submission).

Submission:

Greenwood Genetic Center Diagnostic Laboratories, Greenwood Genetic Center
Classification: Uncertain significance. Last evaluated: 2024-02-27. Review status: criteria provided, single submitter. Criteria: ACMG Guidelines, 2015. Collection method: clinical testing. Allele origin: germline. Affected: yes.
Comment: PM2